The following is an entry in ClinVar:

NM_001018005.2(TPM1):c.688G>A (p.Asp230Asn)

Gene: TPM1 (tropomyosin 1; plus strand). Cytogenetic location: 15q22.2.
Variant type: single nucleotide variant.
Coding change: c.688G>A on transcript NM_001018005.2 (MANE Select); coding-DNA position 688, G replaced by A.
Protein change: p.Asp230Asn; replaces aspartic acid 230 with asparagine.
Molecular consequence: missense variant.
Genome position (GRCh38, 1-based): chr15:63,062,263, G>A. VCF-style: chr15-63062263-G-A. GRCh37 (hg19) VCF-style: chr15-63354462-G-A.
Other names: p.D230N:GAC>AAC; c.688G>A, p.Asp230Asn (NM_000366.6, NM_001018004.2, NM_001018006.2 and 6 more transcripts); c.580G>A, p.Asp194Asn (NM_001018008.2, NM_001301289.2, NM_001330344.2 and 5 more transcripts); c.814G>A, p.Asp272Asn (NM_001365778.1); c.688G>A (NM_001018004.1, NM_001018006.1); short protein forms D230N, D194N, D272N.
Identifiers: ClinVar variation 31884 (VCV000031884.26), dbSNP rs199476317, ClinGen allele CA018280.

ClinVar aggregate classification (germline): Pathogenic. Review status: criteria provided, multiple submitters, no conflicts (2 of 4 stars). 10 submissions from 10 submitters: Pathogenic (9). 1 of the submissions does not count toward it. Last evaluated 2025-11-28.

Conditions:
TPM1-related disorder. Also called: TPM1-related condition.
Dilated cardiomyopathy 1Y (CMD1Y). Identifiers: Orphanet 154, Orphanet 54260, MedGen C2678476, MONDO:0012744, OMIM 611878.
Hypertrophic cardiomyopathy 3. Also called: TPM1-Related Familial Hypertrophic Cardiomyopathy. Identifiers: MedGen C1861863, MONDO:0007267, OMIM 115196.
Primary dilated cardiomyopathy (DCM). Also called: Dilated Cardiomyopathy. Identifiers: Orphanet 217604, MedGen C0007193, MeSH D002311, MONDO:0005021, HP:0001644. Inheritance: Various modes of inheritance.
Hypertrophic cardiomyopathy. Also called: HYPERTROPHIC MYOCARDIOPATHY. Identifiers: Orphanet 217569, MedGen C0007194, MeSH D002312, MONDO:0005045, HP:0001639.

Submissions (10):

Labcorp Genetics (formerly Invitae), Labcorp
Classification: Pathogenic for Hypertrophic cardiomyopathy. Last evaluated: 2025-11-28. Review status: criteria provided, single submitter. Criteria: Invitae Variant Classification Sherloc (09022015). Collection method: clinical testing. Allele origin: germline.
Comment: This sequence change replaces aspartic acid, which is acidic and polar, with asparagine, which is neutral and polar, at codon 230 of the TPM1 protein (p.Asp230Asn). This variant is not present in population databases (gnomAD no frequency). This missense change has been observed in individuals with dilated cardiomyopathy (PMID: 20117437, 27532257). It has also been observed to segregate with disease in related individuals. ClinVar contains an entry for this variant (Variation ID: 31884). An algorithm developed to predict the effect of missense changes on protein structure and function (PolyPhen-2) suggests that this variant is likely to be disruptive. Experimental studies have shown that this missense change affects TPM1 function (PMID: 23539503, 25242052, 25548289, 28600229, 28603979). For these reasons, this variant has been classified as Pathogenic.

Rady Children's Institute for Genomic Medicine, Rady Children's Hospital San Diego
Classification: Pathogenic for TPM1-related disorders. Last evaluated: 2024-02-26. Review status: criteria provided, single submitter. Criteria: ACMG Guidelines, 2015. Collection method: clinical testing. Allele origin: germline. Affected: yes.
Comment: The c.688G>A (p.Asp230Asn) variant affects a moderately conserved amino acid and in silico tools used to predict the effect of this variant on protein function yield discordant results. This variant has been previously reported as a heterozygous change in patients with dilated cardiomyopathy and/or hypertrophic cardiomyopathy (PMID: 21310275, 20117437, 25548289, 34935411, 36178741, 36129056). The c.688G>A (p.Asp230Asn) variant in the TPM1 gene was observed to segregate in two families diagnosed with dilated cardiomyopathy (PMID: 20117437). Functional studies indicate this variant reduces calcium sensitivity and inhibits sarcomere function (PMID: 20117437, 23539503, 25241052, 25548289). The c.688G>A (p.Asp230Asn) variant is absent from the gnomAD v4 population database and thus is presumed to be rare. Analysis of the parental samples was negative for the variant, indicating this variant likely occurred as a de novo event. Based on the available evidence, c.688G>A (p.Asp230Asn) is classified as Pathogenic.

GeneDx
Classification: Pathogenic. Last evaluated: 2022-11-30. Review status: criteria provided, single submitter. Criteria: GeneDx Variant Classification Process June 2021. Collection method: clinical testing. Allele origin: germline. Affected: yes.
Comment: Reported in association with dilated cardiomyopathy (Lakdawala et al., 2010; Pugh et al., 2014; Walsh et al., 2017); Not observed at significant frequency in large population cohorts (gnomAD); In silico analysis supports that this missense variant has a deleterious effect on protein structure/function; Published functional studies demonstrate a damaging effect as this variant significantly impairs sarcomere function compared to wild-type TPM1 protein (Lakdawala et al., 2010; Memo et al., 2013); This variant is associated with the following publications: (PMID: 23539503, 25548289, 23836688, 25202278, 25241052, 25525159, 21310275, 28166811, 23281406, 25179549, 21483645, 24503780, 27872154, 28600229, 31216405, 31983221, 20117437, 27532257, 34935411)

Clinical Genetics Laboratory, Skane University Hospital Lund
Classification: Pathogenic. Last evaluated: 2022-05-27. Review status: criteria provided, single submitter. Criteria: ACMG Guidelines, 2015. Collection method: clinical testing. Allele origin: germline. Affected: yes.

Baylor Genetics
Classification: Pathogenic for Dilated cardiomyopathy 1Y; Hypertrophic cardiomyopathy 3. Last evaluated: 2018-10-12. Review status: criteria provided, single submitter. Criteria: ACMG Guidelines, 2015. Collection method: clinical testing. Allele origin: germline. Affected: yes.

Blueprint Genetics
Classification: Pathogenic for TPM1-related disorders. Last evaluated: 2017-06-20. Review status: criteria provided, single submitter. Criteria: ACMG Guidelines, 2015. Collection method: clinical testing. Allele origin: germline. Affected: yes. Observed: 1 variant allele.

Eurofins Ntd Llc (ga)
Classification: Pathogenic. Last evaluated: 2016-03-11. Review status: criteria provided, single submitter. Criteria: EGL Classification Definitions 2015. Collection method: clinical testing. Allele origin: germline.

Laboratory for Molecular Medicine, Mass General Brigham Personalized Medicine
Classification: Pathogenic for Primary dilated cardiomyopathy. Last evaluated: 2015-10-13. Review status: criteria provided, single submitter. Criteria: LMM Criteria. Collection method: clinical testing. Allele origin: germline. Inheritance: Autosomal dominant inheritance. Observed: 10 variant alleles.
Comment: The p.Asp230Asn variant in TPM1 has been identified in 2 Caucasian individuals w ith DCM and segregated with disease in 14 affected relatives (Lakdawala 2010, LM M unpublished data). This variant was absent from large population studies. In a ddition, in vitro studies supported that this variant impacts contractility (Lak dawala 2010). In summary, the p.Asp230Asn variant meets our criteria to be class ified as pathogenic based on segregation and abs ence in controls.

Stanford Center for Inherited Cardiovascular Disease, Stanford University
Classification: Pathogenic. Last evaluated: 2014-11-07. Review status: criteria provided, single submitter. Criteria: ACMG Guidelines, 2015. Collection method: provider interpretation. Allele origin: germline.

Leiden Muscular Dystrophy (TPM1)
No classification provided. Last evaluated: 2012-04-15. Review status: no classification provided. Collection method: curation. Allele origin: germline. Not counted in ClinVar's aggregate classification.

Literature cited by the submitters: PubMed 20117437 (cited by 4 submitters); PubMed 27532257 (cited by Labcorp Genetics (formerly Invitae), Labcorp and Baylor Genetics); PubMed 23539503 (cited by Labcorp Genetics (formerly Invitae), Labcorp and Baylor Genetics); PubMed 25242052 (cited by Labcorp Genetics (formerly Invitae), Labcorp); PubMed 25548289 (cited by Labcorp Genetics (formerly Invitae), Labcorp and Baylor Genetics); PubMed 28600229 (cited by Labcorp Genetics (formerly Invitae), Labcorp); PubMed 28603979 (cited by Labcorp Genetics (formerly Invitae), Labcorp); PubMed 21310275 (cited by Baylor Genetics); PubMed 25241052 (cited by Baylor Genetics); PubMed 25525159 (cited by Baylor Genetics).